The following is an entry in ClinVar:

ClinVar aggregate classification (germline): Uncertain significance (1 of 4 stars; one submission).

Submission:

Labcorp Genetics (formerly Invitae), Labcorp
Classification: Uncertain significance. Last evaluated: 2023-04-26. Review status: criteria provided, single submitter. Criteria: Invitae Variant Classification Sherloc (09022015). Collection method: clinical testing. Allele origin: germline.
Comment: This sequence change replaces valine, which is neutral and non-polar, with alanine, which is neutral and non-polar, at codon 812 of the CTNNA1 protein (p.Val812Ala). This variant is not present in population databases (gnomAD no frequency). This variant has not been reported in the literature in individuals affected with CTNNA1-related conditions. An algorithm developed to predict the effect of missense changes on protein structure and function (PolyPhen-2) suggests that this variant is likely to be tolerated. In summary, the available evidence is currently insufficient to determine the role of this variant in disease. Therefore, it has been classified as a Variant of Uncertain Significance.

NM_001903.5(CTNNA1):c.2435T>C (p.Val812Ala)

Gene: CTNNA1 (catenin alpha 1; plus strand). Cytogenetic location: 5q31.2.
Variant type: single nucleotide variant.
Coding change: c.2435T>C on transcript NM_001903.5 (MANE Select); coding-DNA position 2435, T replaced by C.
Protein change: p.Val812Ala; replaces valine 812 with alanine.
Molecular consequence: missense variant. On other transcripts: intron variant (1).
Genome position (GRCh38, 1-based): chr5:138,933,803, T>C. VCF-style: chr5-138933803-T-C. GRCh37 (hg19) VCF-style: chr5-138269492-T-C.
Other names: c.2506T>C, p.Trp836Arg (NM_001290307.3); c.2126T>C, p.Val709Ala (NM_001290309.3); c.2066T>C, p.Val689Ala (NM_001290310.3); c.1325T>C, p.Val442Ala (NM_001290312.1, NM_001323987.1, NM_001323988.1 and 12 more transcripts); c.2435T>C, p.Val812Ala (NM_001323982.2, NM_001323983.1, NM_001323984.2); c.2342T>C, p.Val781Ala (NM_001323986.2); c.1190T>C, p.Val397Ala (NM_001324001.1); c.1396T>C, p.Trp466Arg (NM_001324002.1, NM_001324003.1, NM_001324004.1 and 1 more transcripts); and 4 more; short protein forms V397A, V442A, W836R, V411A, V689A, V709A, V329A, V361A.
Identifiers: ClinVar variation 2870734 (VCV002870734.3), dbSNP rs2150358260, ClinGen allele CA361134895.